The following is an entry in ClinVar:

NM_000322.5(PRPH2):c.658C>T (p.Arg220Trp)

Gene: PRPH2 (peripherin 2; minus strand). Cytogenetic location: 6p21.1.
Variant type: single nucleotide variant.
Coding change: c.658C>T on transcript NM_000322.5 (MANE Select); coding-DNA position 658, C replaced by T.
Protein change: p.Arg220Trp; replaces arginine 220 with tryptophan.
Molecular consequence: missense variant.
Genome position (GRCh38, 1-based): chr6:42,704,535, G>A on the plus strand (C>T on the coding strand, the complement: PRPH2 is on the minus strand). VCF-style: chr6-42704535-G-A. GRCh37 (hg19) VCF-style: chr6-42672273-G-A.
Other names: short protein forms R220W.
Identifiers: ClinVar variation 98698 (VCV000098698.23), dbSNP rs61755809, ClinGen allele CA226291.
Genomic context (GRCh38, chr6:42,704,535, plus strand): 5'-TCTGGTGGTCGTAACTGTAGTGTGCTGAGTTGTTGGTGATCTGATACTGGATGCAGGGCC[G>A]TGGCGAGCTAGGATTGCAGCAGCTGAAAGGGACGCCGTCCACCAGGTACCGCCCATCCAC-3'
Protein context (NP_000313.2, residues 210-230): PFSCCNPSSP[Arg220Trp]PCIQYQITNN

ClinVar aggregate classification (germline): Conflicting classifications of pathogenicity. Review status: criteria provided, conflicting classifications (1 of 4 stars). 11 submissions from 11 submitters: Pathogenic (3); Likely pathogenic (3); Uncertain significance (1). 4 of the submissions do not count toward it. Last evaluated 2026-01-02.

Conditions:
PRPH2-related disorder. Also called: PRPH2-related disorders; PRPH2-related condition. Identifiers: MedGen CN239395.
Vitelliform macular dystrophy 3 (VMD3). Also called: PRPH2 vitelliform macular dystrophy; vitelliform macular dystrophy caused by mutation in PRPH2. Identifiers: MedGen CN295869, MONDO:0024561, OMIM 608161.
Macular dystrophy. Identifiers: MedGen C0730292, HP:0007754.
Patterned dystrophy of the retinal pigment epithelium (MDPT1). Identifiers: Orphanet 63454, MedGen C1868569, MONDO:0018973.
Retinal dystrophy. Also called: Inherited retinal dystrophy. Identifiers: Orphanet 71862, MedGen C0854723, MeSH D058499, MONDO:0019118, HP:0000556.

gnomAD v4.1: 8 of 1,614,168 alleles (0.0005%); highest among the groups gnomAD compares: Non-Finnish European, 0.00068%; no homozygotes.

Submissions (11):

Labcorp Genetics (formerly Invitae), Labcorp
Classification: Pathogenic for PRPH2-related disorder. Last evaluated: 2026-01-02. Review status: criteria provided, single submitter. Criteria: Invitae Variant Classification Sherloc (09022015). Collection method: clinical testing. Allele origin: germline.
Comment: This sequence change replaces arginine, which is basic and polar, with tryptophan, which is neutral and slightly polar, at codon 220 of the PRPH2 protein (p.Arg220Trp). This variant is not present in population databases (gnomAD no frequency). This missense change has been observed in individuals with autosomal dominant retinal dystrophy (PMID: 9443872, 16916875, 17653047, 29555955). It has also been observed to segregate with disease in related individuals. ClinVar contains an entry for this variant (Variation ID: 98698). Invitae Evidence Modeling of protein sequence and biophysical properties (such as structural, functional, and spatial information, amino acid conservation, physicochemical variation, residue mobility, and thermodynamic stability) has been performed for this missense variant. However, the output from this modeling did not meet the statistical confidence thresholds required to predict the impact of this variant on PRPH2 protein function. For these reasons, this variant has been classified as Pathogenic.

Blueprint Genetics
Classification: Pathogenic for PRPH2-related disorders. Last evaluated: 2024-02-15. Review status: criteria provided, single submitter. Criteria: ACMG Guidelines, 2015. Collection method: clinical testing. Allele origin: germline. Affected: yes. Observed: 5 variant alleles.

Dept Of Ophthalmology, Nagoya University
Classification: Pathogenic for Retinal dystrophy. Last evaluated: 2023-10-01. Review status: criteria provided, single submitter. Criteria: Submitter's publication. Collection method: research. Allele origin: germline. Affected: yes.

MGZ Medical Genetics Center
Classification: Likely pathogenic for Vitelliform macular dystrophy 3. Last evaluated: 2022-03-23. Review status: criteria provided, single submitter. Criteria: ACMG Guidelines, 2015. Collection method: clinical testing. Allele origin: germline. Affected: yes. Observed: 1 variant allele.
Comment: ACMG criteria applied: PS4_MOD, PM1, PM2_SUP, PP1, PP3

GeneDx
Classification: Likely pathogenic. Last evaluated: 2021-04-13. Review status: criteria provided, single submitter. Criteria: GeneDx Variant Classification Process June 2021. Collection method: clinical testing. Allele origin: germline. Affected: yes.
Comment: Not observed in large population cohorts (Lek et al., 2016); In silico analysis supports that this missense variant has a deleterious effect on protein structure/function; This variant is associated with the following publications: (PMID: 33090715, 30718709, 29555955, 17653047, 26796962, 29453956, 16916875, 9443872)

NEI Ophthalmic Genomics Laboratory, National Institutes of Health
Classification: Uncertain significance for Patterned dystrophy of the retinal pigment epithelium. Last evaluated: 2020-01-07. Review status: criteria provided, single submitter. Criteria: ACMG Guidelines, 2015. Collection method: clinical testing. Allele origin: germline. Affected: yes.
Comment: The variant NM_000322.4:c.658C>T in the PRPH2 gene has been previously studied(PMIDs 9443872, 26796962, 29555955, 29453956). This variant is listed in dbSNP and/or HGMD (rs61755809,CM984094). It is absent in gnomAD browser. It is not enriched in the PRPH2 disease cohort. We invoked ACMG criteria [PM1, PM2, PP3] and classified NM_000322.4:c.658C>T in the PRPH2 gene as a Variant of Uncertain Significance.

Institute of Human Genetics, Univ. Regensburg, Univ. Regensburg
Classification: Likely pathogenic for Retinal dystrophy. Last evaluated: 2019-01-01. Review status: criteria provided, single submitter. Criteria: ACMG Guidelines, 2015. Collection method: clinical testing. Allele origin: germline. Affected: yes.

PreventionGenetics, part of Exact Sciences
Classification: Likely pathogenic for PRPH2-related condition. Last evaluated: 2024-08-16. Review status: no assertion criteria provided. Collection method: clinical testing. Allele origin: germline. Not counted in ClinVar's aggregate classification.
Comment: The PRPH2 c.658C>T variant is predicted to result in the amino acid substitution p.Arg220Trp. This variant has been reported in the heterozygous state in individuals with autosomal dominant macular dystrophy (Gamundi et al. 2007. PubMed ID: 17653047; Birtel et al 2018. PubMed ID: 29555955; García Bohórquez et al. 2021. PubMed ID: 34327195 ). This variant has also been reported in an individual with early onset high myopia (Zhou et al. 2018. PubMed ID: 29453956). This variant has not been reported in the large population database gnomAD, indicating it is rare. This variant is interpreted as likely pathogenic.

Leiden Open Variation Database
Classification: Pathogenic. Last evaluated: 2021-04-06. Review status: no assertion criteria provided. Collection method: curation. Allele origin: germline. Affected: yes. Not counted in ClinVar's aggregate classification.
Comment: Curator: Global Variome, with Curator vacancy. Submitters to LOVD: LOVD, Manon Peeters, Yoshito Koyanagi.

Department of Clinical Genetics, Copenhagen University Hospital, Rigshospitalet
Classification: Uncertain significance for Macular dystrophy. Last evaluated: 2018-04-01. Review status: no assertion criteria provided. Collection method: research. Allele origin: unknown. Affected: yes. Study: VeluxRD. Not counted in ClinVar's aggregate classification.

Retina International
No classification provided. Review status: no classification provided. Collection method: not provided. Allele origin: not provided. Not counted in ClinVar's aggregate classification.

Literature cited by the submitters: PubMed 9443872 (cited by 3 submitters); PubMed 16916875 (cited by Labcorp Genetics (formerly Invitae), Labcorp and Leiden Open Variation Database); PubMed 17653047 (cited by Labcorp Genetics (formerly Invitae), Labcorp and Leiden Open Variation Database); PubMed 29555955 (cited by 3 submitters); PubMed 26796962 (cited by Institute of Human Genetics, Univ. Regensburg, Univ. Regensburg); PubMed 29453956 (cited by Institute of Human Genetics, Univ. Regensburg, Univ. Regensburg and Leiden Open Variation Database); PubMed 31213501 (cited by Institute of Human Genetics, Univ. Regensburg, Univ. Regensburg and Leiden Open Variation Database); PubMed 33090715 (cited by Institute of Human Genetics, Univ. Regensburg, Univ. Regensburg); PubMed 32037395 (cited by Institute of Human Genetics, Univ. Regensburg, Univ. Regensburg); PubMed 34327195 (cited by Institute of Human Genetics, Univ. Regensburg, Univ. Regensburg); PubMed 34411390 (cited by Institute of Human Genetics, Univ. Regensburg, Univ. Regensburg); PubMed 36460718 (cited by Institute of Human Genetics, Univ. Regensburg, Univ. Regensburg); PubMed 37047703 (cited by Institute of Human Genetics, Univ. Regensburg, Univ. Regensburg); PubMed 32531846 (cited by Leiden Open Variation Database); PubMed 30718709 (cited by Department of Clinical Genetics, Copenhagen University Hospital, Rigshospitalet).